The following is an entry in ClinVar:

ClinVar aggregate classification (germline): Uncertain significance. Review status: criteria provided, multiple submitters, no conflicts (2 of 4 stars). 2 submissions from 2 submitters: Uncertain significance (2). Last evaluated 2022-09-07.

Conditions:
TMEM165-congenital disorder of glycosylation. Also called: TMEM165-CDG; Congenital disorder of glycosylation type 2k; CDG IIk. Identifiers: Orphanet 314667, MedGen C3553571, MONDO:0013870, OMIM 614727.

Allele frequency attached by ClinVar (database versions not stated): gnomAD 0.00004 and 0.00005; TOPMed 0.00004; gnomAD exomes 0.00006; ExAC 0.00008; ESP Exome Variant Server 0.00015.
gnomAD v4.1: 88 of 1,612,128 alleles (0.0055%); highest among the groups gnomAD compares: Non-Finnish European, 0.0066%; no homozygotes.

Submissions (2):

Labcorp Genetics (formerly Invitae), Labcorp
Classification: Uncertain significance for TMEM165-congenital disorder of glycosylation. Last evaluated: 2022-09-07. Review status: criteria provided, single submitter. Criteria: Invitae Variant Classification Sherloc (09022015). Collection method: clinical testing. Allele origin: germline.
Comment: This variant has not been reported in the literature in individuals affected with TMEM165-related conditions. This variant is present in population databases (rs147314282, gnomAD 0.01%). This sequence change replaces threonine, which is neutral and polar, with methionine, which is neutral and non-polar, at codon 218 of the TMEM165 protein (p.Thr218Met). ClinVar contains an entry for this variant (Variation ID: 1433095). In summary, the available evidence is currently insufficient to determine the role of this variant in disease. Therefore, it has been classified as a Variant of Uncertain Significance. Algorithms developed to predict the effect of missense changes on protein structure and function are either unavailable or do not agree on the potential impact of this missense change (SIFT: "Deleterious"; PolyPhen-2: "Possibly Damaging"; Align-GVGD: "Class C0").

Breakthrough Genomics
Classification: Uncertain significance. Review status: criteria provided, single submitter. Criteria: ACMG Guidelines, 2015. Collection method: not provided. Allele origin: germline. Inheritance: Autosomal recessive inheritance. Affected: yes.

NM_018475.5(TMEM165):c.653C>T (p.Thr218Met)

Gene: TMEM165 (transmembrane protein 165; plus strand). Cytogenetic location: 4q12.
Variant type: single nucleotide variant.
Coding change: c.653C>T on transcript NM_018475.5 (MANE Select); coding-DNA position 653, C replaced by T.
Protein change: p.Thr218Met; replaces threonine 218 with methionine.
Molecular consequence: missense variant. On other transcripts: non-coding transcript variant (1).
Genome position (GRCh38, 1-based): chr4:55,417,846, C>T. VCF-style: chr4-55417846-C-T. GRCh37 (hg19) VCF-style: chr4-56284013-C-T.
Other names: short protein forms T218M.
Identifiers: ClinVar variation 1433095 (VCV001433095.6), dbSNP rs147314282, ClinGen allele CA2925562.